The following is an entry in ClinVar:

ClinVar aggregate classification (germline): Pathogenic (1 of 4 stars; one submission).

Conditions:
Polycystic kidney disease, adult type (PKD1). Also called: Polycystic Kidney Disease 1, Autosomal Dominant; Polycystic kidney disease 1; Polycystic kidney disease 1, severe; Polycystic Kidney, Autosomal Dominant; POLYCYSTIC KIDNEY DISEASE 1 WITH OR WITHOUT POLYCYSTIC LIVER DISEASE; POLYCYSTIC KIDNEY DISEASE, ADULT, TYPE I. Identifiers: MedGen C3149841, MONDO:0008263, OMIM 173900.

Submission:

Victorian Clinical Genetics Services, Murdoch Childrens Research Institute
Classification: Pathogenic for Polycystic kidney disease, adult type. Last evaluated: 2019-04-03. Review status: criteria provided, single submitter. Criteria: ACMG Guidelines, 2015. Collection method: clinical testing. Allele origin: unknown. Affected: yes.
Comment: A heterozygous frameshift deletion variant, NM_001009944.2(PKD1):c.7139_7145del, has been identified in exon 17 of 46 of the PKD1 gene. This deletion is predicted to create a frameshift starting at amino acid position 2380, introducing a stop codon 238 residues downstream (NP_001009944.2(PKD1):p.(Glu2380Alafs*238)). This variant is predicted to result in loss of protein function through nonsense mediated decay, which is a reported mechanism of pathogenicity for this gene. The variant is absent in population databases (gnomAD, dbSNP, 1000G) and has not been previously reported in clinical cases. However, many up and downstream loss of function variants have been reported as pathogenic (ClinVar). Based on the information available at the time of curation, this variant has been classified as PATHOGENIC.

NM_001009944.3(PKD1):c.7139_7145del (p.Glu2380fs)

Gene: PKD1 (polycystin 1, transient receptor potential channel interacting; minus strand). Cytogenetic location: 16p13.3.
Variant type: Deletion.
Coding change: c.7139_7145del on transcript NM_001009944.3 (MANE Select); coding-DNA positions 7139 to 7145, 7 bases deleted (AAGTGAG; older notation c.7139_7145delAAGTGAG).
Protein change: p.Glu2380fs; shifts the reading frame from glutamic acid 2380.
Molecular consequence: frameshift variant.
Genome position (GRCh38, 1-based): chr16:2,106,869-2,106,875, CTCACTT deleted on the plus strand (AAGTGAG on the coding strand, the reverse complement: PKD1 is on the minus strand); deleting any 7 consecutive bases within chr16:2,106,869-2,106,876 gives the same sequence; the c. name uses the placement nearest the transcript's 3' end. VCF-style (leftmost placement, unchanged base first): chr16-2106868-GCTCACTT-G. GRCh37 (hg19) VCF-style: chr16-2156869-GCTCACTT-G.
Other names: c.7139_7145del, p.Glu2380fs (NM_000296.4); short protein forms E2380fs.
Identifiers: ClinVar variation 975091 (VCV000975091.3), dbSNP rs2092356759, ClinGen allele CA1139664388.